The following is an entry in ClinVar:

ClinVar aggregate classification (germline): Benign (1 of 4 stars; one submission).

Allele frequency attached by ClinVar (database versions not stated): 1000 Genomes Project 30x 0.00094; gnomAD 0.00098; TOPMed 0.00101; gnomAD exomes 0.00145.
gnomAD v4.1: 495 of 399,216 alleles (0.12%); highest among the groups gnomAD compares: Non-Finnish European, 0.19%; 1 homozygote.

Submission:

CeGaT Center for Human Genetics Tuebingen
Classification: Benign. Last evaluated: 2026-09-01. Review status: criteria provided, single submitter. Criteria: CeGaT Center For Human Genetics Tuebingen Variant Classification Criteria Version 2. Collection method: clinical testing. Allele origin: germline. Affected: yes. Observed: 13 variant alleles.
Comment: KCNQ1OT1: BS1, BS2

NM_000218.3(KCNQ1):c.1514+695T>C

Genes: KCNQ1 (potassium voltage-gated channel subfamily Q member 1; plus strand), KCNQ1OT1 (KCNQ1 opposite strand/antisense transcript 1; minus strand). Cytogenetic location: 11p15.5.
Variant type: single nucleotide variant.
Coding change: c.1514+695T>C on transcript NM_000218.3 (MANE Select); 695 bases into the intron after coding-DNA position 1514, T replaced by C.
Molecular consequence: intron variant.
Genome position (GRCh38, 1-based): chr11:2,662,776, T>C. VCF-style: chr11-2662776-T-C. GRCh37 (hg19) VCF-style: chr11-2684006-T-C.
Other names: c.1244+695T>C (NM_001406837.1); c.1418+695T>C (NM_001406836.1); c.974+695T>C (NM_001406838.1); c.1133+695T>C (NM_181798.2).
Identifiers: ClinVar variation 2578642 (VCV002578642.25), dbSNP rs542852747, ClinGen allele CA216171789.
Genomic context (GRCh38, chr11:2,662,776, plus strand): 5'-GCACCCAAGTCCATTCTGGCCACAGTCCCATTCTGGCTGCTAACCCGTTGGGGATTCCCC[T>C]TGATAAATGTCTTTGTGTCAAGATCTGTGAGTGACACTCGCGGCCCTTCTGAGGGTCACT-3'